The following is an entry in ClinVar:

ClinVar aggregate classification (germline): Likely benign. Review status: criteria provided, multiple submitters, no conflicts (2 of 4 stars). 3 submissions from 3 submitters: Likely benign (2). 1 of the submissions does not count toward it. Last evaluated 2022-07-14.

Conditions:
TSPEAR-related disorder. Also called: TSPEAR-related condition.

Allele frequency attached by ClinVar (database versions not stated): gnomAD 0.00001; gnomAD exomes 0.00002; TOPMed 0.00003; ExAC 0.00004.
gnomAD v4.1: 29 of 1,601,822 alleles (0.0018%); highest among the groups gnomAD compares: Admixed American, 0.015%; no homozygotes.

Submissions (3):

Blueprint Genetics
Classification: Likely benign. Last evaluated: 2022-07-14. Review status: criteria provided, single submitter. Criteria: ACMG Guidelines, 2015. Collection method: clinical testing. Allele origin: germline.

Labcorp Genetics (formerly Invitae), Labcorp
Classification: Likely benign. Last evaluated: 2022-06-07. Review status: criteria provided, single submitter. Criteria: Invitae Variant Classification Sherloc (09022015). Collection method: clinical testing. Allele origin: germline.

PreventionGenetics, part of Exact Sciences
Classification: Likely benign for TSPEAR-related condition. Last evaluated: 2019-04-29. Review status: no assertion criteria provided. Collection method: clinical testing. Allele origin: germline. Not counted in ClinVar's aggregate classification.
Comment: This variant is classified as likely benign based on ACMG/AMP sequence variant interpretation guidelines (Richards et al. 2015 PMID: 25741868, with internal and published modifications).

NM_144991.3(TSPEAR):c.1938G>A (p.Thr646=)

Gene: TSPEAR (thrombospondin type laminin G domain and EAR repeats; minus strand). Cytogenetic location: 21q22.3.
Variant type: single nucleotide variant.
Coding change: c.1938G>A on transcript NM_144991.3 (MANE Select); coding-DNA position 1938, G replaced by A.
Protein change: p.Thr646=; no amino-acid change (threonine 646 retained).
Molecular consequence: synonymous variant.
Genome position (GRCh38, 1-based): chr21:44,499,855, C>T on the plus strand (G>A on the coding strand, the complement: TSPEAR is on the minus strand). VCF-style: chr21-44499855-C-T. GRCh37 (hg19) VCF-style: chr21-45919738-C-T.
Other names: c.1734G>A, p.Thr578= (NM_001272037.2); c.1938G>A (NM_144991.2).
Identifiers: ClinVar variation 2196595 (VCV002196595.7), dbSNP rs782691881, ClinGen allele CA10056249.